The following is an entry in ClinVar:

NM_018979.4(WNK1):c.5590G>A (p.Val1864Ile)

Gene: WNK1 (WNK lysine deficient protein kinase 1; plus strand). Cytogenetic location: 12p13.33.
Variant type: single nucleotide variant.
Coding change: c.5590G>A on transcript NM_018979.4 (MANE Select); coding-DNA position 5590, G replaced by A.
Protein change: p.Val1864Ile; replaces valine 1864 with isoleucine.
Molecular consequence: missense variant.
Genome position (GRCh38, 1-based): chr12:896,077, G>A. VCF-style: chr12-896077-G-A. GRCh37 (hg19) VCF-style: chr12-1005243-G-A.
Other names: c.6370G>A, p.Val2124Ile (NM_001184985.2); c.4846G>A, p.Val1616Ile (NM_014823.3); c.6346G>A, p.Val2116Ile (NM_213655.5); short protein forms V1864I, V1616I, V2124I, V2116I.
Identifiers: ClinVar variation 1752975 (VCV001752975.2), dbSNP rs765566878, ClinGen allele CA6383254.

ClinVar aggregate classification (germline): Uncertain significance (1 of 4 stars; one submission).

Conditions:
Inborn genetic diseases. Identifiers: MedGen C0950123, MeSH D030342.

Allele frequency attached by ClinVar (database versions not stated): ExAC 0.00001.
gnomAD v4.1: 2 of 1,614,178 alleles (0.00012%); highest among the groups gnomAD compares: Non-Finnish European, 0.00017%; no homozygotes.

Submission:

Ambry Genetics
Classification: Uncertain significance for Inborn genetic diseases. Last evaluated: 2022-09-17. Review status: criteria provided, single submitter. Criteria: Ambry Variant Classification Scheme 2023. Collection method: clinical testing. Allele origin: germline.
Comment: The p.V2116I variant (also known as c.6346G>A), located in coding exon 24 of the WNK1 gene, results from a G to A substitution at nucleotide position 6346. The valine at codon 2116 is replaced by isoleucine, an amino acid with highly similar properties. This amino acid position is well conserved in available vertebrate species. In addition, this alteration is predicted to be tolerated by in silico analysis. Since supporting evidence is limited at this time, the clinical significance of this alteration remains unclear.